The following is an entry in ClinVar:

NM_000168.6(GLI3):c.3568G>A (p.Ala1190Thr)

Gene: GLI3 (GLI family zinc finger 3; minus strand). Cytogenetic location: 7p14.1.
Variant type: single nucleotide variant.
Coding change: c.3568G>A on transcript NM_000168.6 (MANE Select); coding-DNA position 3568, G replaced by A.
Protein change: p.Ala1190Thr; replaces alanine 1190 with threonine.
Molecular consequence: missense variant.
Genome position (GRCh38, 1-based): chr7:41,965,505, C>T on the plus strand (G>A on the coding strand, the complement: GLI3 is on the minus strand). VCF-style: chr7-41965505-C-T. GRCh37 (hg19) VCF-style: chr7-42005103-C-T.
Other names: short protein forms A1190T.
Identifiers: ClinVar variation 3854233 (VCV003854233.2).

ClinVar aggregate classification (germline): Uncertain significance. Review status: criteria provided, multiple submitters, no conflicts (2 of 4 stars). 2 submissions from 2 submitters: Uncertain significance (2). Last evaluated 2025-03-26.

Conditions:
Pallister-Hall syndrome (PHS). Also called: GLI3-Related Pallister-Hall Syndrome; HYPOTHALAMIC HAMARTOBLASTOMA, HYPOPITUITARISM, IMPERFORATE ANUS, AND POSTAXIAL POLYDACTYLY. Identifiers: Orphanet 672, MedGen C0265220, MONDO:0007804, OMIM 146510.
Greig cephalopolysyndactyly syndrome (GCPS). Also called: GLI3-Related Greig Cephalopolysyndactyly Syndrome; POLYSYNDACTYLY WITH PECULIAR SKULL SHAPE; Greig syndrome. Identifiers: Orphanet 380, MedGen C0265306, MONDO:0008287, OMIM 175700.
Inborn genetic diseases. Identifiers: MedGen C0950123, MeSH D030342.

gnomAD v4.1: 3 of 1,607,380 alleles (0.00019%); highest among the groups gnomAD compares: Admixed American, 0.0017%; no homozygotes.

Submissions (2):

Labcorp Genetics (formerly Invitae), Labcorp
Classification: Uncertain significance for Pallister-Hall syndrome; Greig cephalopolysyndactyly syndrome. Last evaluated: 2025-03-26. Review status: criteria provided, single submitter. Criteria: Invitae Variant Classification Sherloc (09022015). Collection method: clinical testing. Allele origin: germline.
Comment: This sequence change replaces alanine, which is neutral and non-polar, with threonine, which is neutral and polar, at codon 1190 of the GLI3 protein (p.Ala1190Thr). This variant is not present in population databases (gnomAD no frequency). This variant has not been reported in the literature in individuals affected with GLI3-related conditions. Invitae Evidence Modeling of protein sequence and biophysical properties (such as structural, functional, and spatial information, amino acid conservation, physicochemical variation, residue mobility, and thermodynamic stability) indicates that this missense variant is not expected to disrupt GLI3 protein function with a negative predictive value of 95%. In summary, the available evidence is currently insufficient to determine the role of this variant in disease. Therefore, it has been classified as a Variant of Uncertain Significance.

Ambry Genetics
Classification: Uncertain significance for Inborn genetic diseases. Last evaluated: 2025-03-07. Review status: criteria provided, single submitter. Criteria: Ambry Variant Classification Scheme 2023. Collection method: clinical testing. Allele origin: germline.